The following is an entry in ClinVar:

NM_001376.5(DYNC1H1):c.10657C>G (p.Leu3553Val)

Gene: DYNC1H1 (dynein cytoplasmic 1 heavy chain 1; plus strand). Cytogenetic location: 14q32.31.
Variant type: single nucleotide variant.
Coding change: c.10657C>G on transcript NM_001376.5 (MANE Select); coding-DNA position 10657, C replaced by G.
Protein change: p.Leu3553Val; replaces leucine 3553 with valine.
Molecular consequence: missense variant.
Genome position (GRCh38, 1-based): chr14:102,034,355, C>G. VCF-style: chr14-102034355-C-G. GRCh37 (hg19) VCF-style: chr14-102500692-C-G.
Other names: short protein forms L3553V.
Identifiers: ClinVar variation 663304 (VCV000663304.12), dbSNP rs1595626695, ClinGen allele CA391028049.

ClinVar aggregate classification (germline): Uncertain significance. Review status: criteria provided, multiple submitters, no conflicts (2 of 4 stars). 3 submissions from 3 submitters: Uncertain significance (3). Last evaluated 2025-03-17.

Conditions:
Charcot-Marie-Tooth disease. Also called: Charcot-Marie-Tooth Neuropathy; Charcot-Marie-Tooth Hereditary Neuropathy. Identifiers: Orphanet 166, MedGen C0007959, MONDO:0015626.
Charcot-Marie-Tooth disease axonal type 2O. Also called: CHARCOT-MARIE-TOOTH NEUROPATHY, AXONAL, TYPE 2O; CHARCOT-MARIE-TOOTH DISEASE, AXONAL, AUTOSOMAL DOMINANT, TYPE 2O; Charcot-Marie-Tooth Neuropathy Type 2O; Charcot-Marie-Tooth disease, axonal, type 20. Identifiers: Orphanet 284232, MedGen C3280220, MONDO:0013644, OMIM 614228.

Allele frequency attached by ClinVar (database versions not stated): gnomAD exomes below 0.00001; gnomAD 0.00001; TOPMed 0.00001.
gnomAD v4.1: 2 of 1,614,080 alleles (0.00012%); highest among the groups gnomAD compares: Non-Finnish European, 0.00017%; no homozygotes.

Submissions (3):

Labcorp Genetics (formerly Invitae), Labcorp
Classification: Uncertain significance for Charcot-Marie-Tooth disease axonal type 2O. Last evaluated: 2025-03-17. Review status: criteria provided, single submitter. Criteria: Invitae Variant Classification Sherloc (09022015). Collection method: clinical testing. Allele origin: germline.
Comment: This sequence change replaces leucine, which is neutral and non-polar, with valine, which is neutral and non-polar, at codon 3553 of the DYNC1H1 protein (p.Leu3553Val). This variant is not present in population databases (gnomAD no frequency). This variant has not been reported in the literature in individuals affected with DYNC1H1-related conditions. ClinVar contains an entry for this variant (Variation ID: 663304). Invitae Evidence Modeling of protein sequence and biophysical properties (such as structural, functional, and spatial information, amino acid conservation, physicochemical variation, residue mobility, and thermodynamic stability) indicates that this missense variant is expected to disrupt DYNC1H1 protein function with a positive predictive value of 95%. In summary, the available evidence is currently insufficient to determine the role of this variant in disease. Therefore, it has been classified as a Variant of Uncertain Significance.

GeneDx
Classification: Uncertain significance. Last evaluated: 2022-12-16. Review status: criteria provided, single submitter. Criteria: GeneDx Variant Classification Process June 2021. Collection method: clinical testing. Allele origin: germline. Affected: yes.
Comment: Not observed in large population cohorts (gnomAD); In silico analysis supports that this missense variant has a deleterious effect on protein structure/function; Has not been previously published as pathogenic or benign to our knowledge; This variant is associated with the following publications: (PMID: 26100331, 25609763, 25512093)

Molecular Genetics Laboratory, London Health Sciences Centre
Classification: Uncertain significance for Charcot-Marie-Tooth disease. Review status: criteria provided, single submitter. Criteria: ACMG Guidelines, 2015. Collection method: clinical testing. Allele origin: germline. Affected: yes.